The following is an entry in ClinVar:

NM_005896.4(IDH1):c.208G>A (p.Gly70Ser)

Gene: IDH1 (isocitrate dehydrogenase (NADP(+)) 1; minus strand). Cytogenetic location: 2q34.
Variant type: single nucleotide variant.
Coding change: c.208G>A on transcript NM_005896.4 (MANE Select); coding-DNA position 208, G replaced by A.
Protein change: p.Gly70Ser; replaces glycine 70 with serine.
Molecular consequence: missense variant.
Genome position (GRCh38, 1-based): chr2:208,248,575, C>T on the plus strand (G>A on the coding strand, the complement: IDH1 is on the minus strand). VCF-style: chr2-208248575-C-T. GRCh37 (hg19) VCF-style: chr2-209113299-C-T.
Other names: c.208G>A, p.Gly70Ser (NM_001282386.1, NM_001282387.1); short protein forms G70S.
Identifiers: ClinVar variation 1785718 (VCV001785718.2), dbSNP rs1206867982, ClinGen allele CA350102334.

ClinVar aggregate classification (germline): Uncertain significance (1 of 4 stars; one submission).

Allele frequency attached by ClinVar (database versions not stated): gnomAD exomes below 0.00001; gnomAD 0.00001; TOPMed 0.00001.
gnomAD v4.1: 3 of 1,614,016 alleles (0.00019%); highest among the groups gnomAD compares: Non-Finnish European, 0.00025%; no homozygotes.

Submission:

Ambry Genetics
Classification: Uncertain significance. Last evaluated: 2021-12-01. Review status: criteria provided, single submitter. Criteria: Ambry Variant Classification Scheme 2023. Collection method: clinical testing. Allele origin: germline.
Comment: The p.G70S variant (also known as c.208G>A), located in coding exon 2 of the IDH1 gene, results from a G to A substitution at nucleotide position 208. The glycine at codon 70 is replaced by serine, an amino acid with similar properties. This amino acid position is conserved. In addition, this alteration is predicted to be deleterious by in silico analysis. Since supporting evidence is limited at this time, the clinical significance of this alteration remains unclear.